The following is an entry in ClinVar:

NM_000384.3(APOB):c.12252T>C (p.Tyr4084=)

Gene: APOB (apolipoprotein B; minus strand). Cytogenetic location: 2p24.1.
Variant type: single nucleotide variant.
Coding change: c.12252T>C on transcript NM_000384.3 (MANE Select); coding-DNA position 12252, T replaced by C.
Protein change: p.Tyr4084=; no amino-acid change (tyrosine 4084 retained).
Molecular consequence: synonymous variant.
Genome position (GRCh38, 1-based): chr2:21,003,170, A>G on the plus strand (T>C on the coding strand, the complement: APOB is on the minus strand). VCF-style: chr2-21003170-A-G. GRCh37 (hg19) VCF-style: chr2-21226042-A-G.
Identifiers: ClinVar variation 74412 (VCV000074412.30), dbSNP rs138157751, ClinGen allele CA049754.

ClinVar aggregate classification (germline): Conflicting classifications of pathogenicity. Review status: criteria provided, conflicting classifications (1 of 4 stars). 11 submissions from 10 submitters: Uncertain significance (1); Benign (3); Likely benign (5). 2 of the submissions do not count toward it. Last evaluated 2026-01-28.

Conditions:
Familial hypobetalipoproteinemia 1. Also called: APOB-Related Familial Hypobetalipoproteinemia; Hypobetalipoproteinemia, normotriglyceridemic; Acanthocytosis with hypobetalipoproteinemia. Identifiers: MedGen C4551990, MONDO:0014252, OMIM 615558.
Hypercholesterolemia, autosomal dominant, type B (FHCL2). Also called: Familial Hypercholesterolemia Type B; HYPERCHOLESTEROLEMIA, FAMILIAL, DUE TO LIGAND-DEFECTIVE APOLIPOPROTEIN B; APOB-Related Familial Hypercholesterolemia, Autosomal Dominant; Hyperlipoproteinemia Type IIb; Familial hypercholesterolemia 2; APOLIPOPROTEIN B-100, FAMILIAL DEFECTIVE. Identifiers: MedGen C1704417, MONDO:0007751, OMIM 144010.
Cardiovascular phenotype. Identifiers: MedGen CN230736.
Familial hypercholesterolemia. Also called: Familial hypercholesterolemias; Familial hypercholesterolaemia. Identifiers: MedGen C0020445, MONDO:0005439.
Hypercholesterolemia, familial, 1. Also called: LDL RECEPTOR DISORDER; Hyperlipoproteinemia Type IIa; HYPER-LOW-DENSITY-LIPOPROTEINEMIA; HYPERCHOLESTEROLEMIC XANTHOMATOSIS, FAMILIAL; Fredrickson type IIa hyperlipoproteinemia; Hyperlipoproteinemia type 2. Identifiers: Orphanet 391665, MedGen C0745103, MONDO:0007750, OMIM 143890.

Allele frequency attached by ClinVar (database versions not stated): gnomAD exomes 0.00088 and 0.00019; 1000 Genomes Project 30x 0.00281; 1000 Genomes Project 0.00319; ESP Exome Variant Server 0.00008; gnomAD 0.00034 and 0.00045; TOPMed 0.00055; ExAC 0.00083.
gnomAD v4.1: 402 of 1,613,992 alleles (0.025%); highest among the groups gnomAD compares: East Asian, 0.66%; no homozygotes.

Submissions (11):

Labcorp Genetics (formerly Invitae), Labcorp
Classification: Benign for Familial hypobetalipoproteinemia 1; Hypercholesterolemia, autosomal dominant, type B. Last evaluated: 2026-01-28. Review status: criteria provided, single submitter. Criteria: Invitae Variant Classification Sherloc (09022015). Collection method: clinical testing. Allele origin: germline.

Quest Diagnostics Nichols Institute San Juan Capistrano
Classification: Benign. Last evaluated: 2025-08-27. Review status: criteria provided, single submitter. Criteria: Quest Diagnostics criteria. Collection method: clinical testing. Allele origin: unknown.

Molecular Diagnostic Laboratory for Inherited Cardiovascular Disease, Montreal Heart Institute
Classification: Likely benign. Last evaluated: 2025-04-09. Review status: criteria provided, single submitter. Criteria: ACMG Guidelines, 2015. Collection method: clinical testing. Allele origin: germline. Affected: no.

Blueprint Genetics
Classification: Likely benign. Last evaluated: 2024-05-24. Review status: criteria provided, single submitter. Criteria: ACMG Guidelines, 2015. Collection method: clinical testing. Allele origin: germline.

GENinCode PLC
Classification: Benign for Familial hypercholesterolemia. Last evaluated: 2023-07-22. Review status: criteria provided, single submitter. Criteria: ACMG Guidelines, 2015. Collection method: clinical testing. Allele origin: germline.

Ambry Genetics
Classification: Likely benign for Cardiovascular phenotype. Last evaluated: 2018-05-31. Review status: criteria provided, single submitter. Criteria: Ambry Variant Classification Scheme 2023. Collection method: clinical testing. Allele origin: germline.

Illumina Laboratory Services, Illumina
Classification: Likely benign for Hypercholesterolemia, autosomal dominant, type B. Last evaluated: 2018-01-12. Review status: criteria provided, single submitter. Criteria: ICSL Variant Classification Criteria 13 December 2019. Collection method: clinical testing. Allele origin: germline.
Comment: This variant was observed in the ICSL laboratory as part of a predisposition screen in an ostensibly healthy population. It had not been previously curated by ICSL or reported in the Human Gene Mutation Database (HGMD: prior to June 1st, 2018), and was therefore a candidate for classification through an automated scoring system. Utilizing variant allele frequency, disease prevalence and penetrance estimates, and inheritance mode, an automated score was calculated to assess if this variant is too frequent to cause the disease. Based on the score and internal cut-off values, a variant classified as likely benign is not then subjected to further curation. The score for this variant resulted in a classification of likely benign for this disease.

Illumina Laboratory Services, Illumina
Classification: Uncertain significance for Familial hypobetalipoproteinemia 1. Last evaluated: 2018-01-12. Review status: criteria provided, single submitter. Criteria: ICSL Variant Classification Criteria 13 December 2019. Collection method: clinical testing. Allele origin: germline.

Robarts Research Institute, Western University
Classification: Likely benign for Hypercholesterolemia, familial, 1. Last evaluated: 2018-01-02. Review status: criteria provided, single submitter. Criteria: ACMG Guidelines, 2015. Collection method: clinical testing. Allele origin: germline. Inheritance: Autosomal dominant inheritance. Affected: yes.

Clinical Genetics DNA and cytogenetics Diagnostics Lab, Erasmus MC, Erasmus Medical Center
Classification: Benign. Review status: no assertion criteria provided. Collection method: clinical testing. Allele origin: germline. Affected: yes. Study: VKGL Data-share Consensus. Not counted in ClinVar's aggregate classification.

Clinical Genetics, Academic Medical Center
Classification: Benign. Review status: no assertion criteria provided. Collection method: clinical testing. Allele origin: germline. Affected: yes. Study: VKGL Data-share Consensus. Not counted in ClinVar's aggregate classification.